The following is an entry in ClinVar:

NM_000322.5(PRPH2):c.719C>A (p.Thr240Lys)

Gene: PRPH2 (peripherin 2; minus strand). Cytogenetic location: 6p21.1.
Variant type: single nucleotide variant.
Coding change: c.719C>A on transcript NM_000322.5 (MANE Select); coding-DNA position 719, C replaced by A.
Protein change: p.Thr240Lys; replaces threonine 240 with lysine.
Molecular consequence: missense variant.
Genome position (GRCh38, 1-based): chr6:42,704,474, G>T on the plus strand (C>A on the coding strand, the complement: PRPH2 is on the minus strand). VCF-style: chr6-42704474-G-T. GRCh37 (hg19) VCF-style: chr6-42672212-G-T.
Other names: c.719C>A (NM_000322.4); short protein forms T240K.
Identifiers: ClinVar variation 3250015 (VCV003250015.5).

ClinVar aggregate classification (germline): Uncertain significance. Review status: criteria provided, multiple submitters, no conflicts (2 of 4 stars). 4 submissions from 4 submitters: Uncertain significance (3). 1 of the submissions does not count toward it. Last evaluated 2026-05-03.

Conditions:
PRPH2-related disorder. Also called: PRPH2-related disorders; PRPH2-related condition. Identifiers: MedGen CN239395.
Retinal dystrophy. Also called: Inherited retinal dystrophy. Identifiers: Orphanet 71862, MedGen C0854723, MeSH D058499, MONDO:0019118, HP:0000556.

gnomAD v4.1: 29 of 1,613,996 alleles (0.0018%); highest among the groups gnomAD compares: Non-Finnish European, 0.002%; no homozygotes.

Submissions (4):

PreventionGenetics, part of Exact Sciences
Classification: Uncertain significance for PRPH2-related condition. Last evaluated: 2026-05-03. Review status: criteria provided, single submitter. Criteria: ACMG Guidelines, 2015. Collection method: clinical testing. Allele origin: germline.
Comment: The PRPH2 c.719C>A variant is predicted to result in the amino acid substitution p.Thr240Lys. To our knowledge, this variant has not been reported in the literature. This variant is reported in 0.013% of alleles in individuals of European (Non-Finnish) descent in gnomAD. At this time, the clinical significance of this variant is uncertain due to the absence of conclusive functional and genetic evidence.

Labcorp Genetics (formerly Invitae), Labcorp
Classification: Uncertain significance for PRPH2-related disorder. Last evaluated: 2024-04-05. Review status: criteria provided, single submitter. Criteria: Invitae Variant Classification Sherloc (09022015). Collection method: clinical testing. Allele origin: germline.
Comment: This sequence change replaces threonine, which is neutral and polar, with lysine, which is basic and polar, at codon 240 of the PRPH2 protein (p.Thr240Lys). This variant is present in population databases (rs764626088, gnomAD 0.01%). This variant has not been reported in the literature in individuals affected with PRPH2-related conditions. Advanced modeling of protein sequence and biophysical properties (such as structural, functional, and spatial information, amino acid conservation, physicochemical variation, residue mobility, and thermodynamic stability) has been performed at Invitae for this missense variant, however the output from this modeling did not meet the statistical confidence thresholds required to predict the impact of this variant on PRPH2 protein function. In summary, the available evidence is currently insufficient to determine the role of this variant in disease. Therefore, it has been classified as a Variant of Uncertain Significance.

Blueprint Genetics
Classification: Uncertain significance. Last evaluated: 2021-11-23. Review status: criteria provided, single submitter. Criteria: ACMG Guidelines, 2015. Collection method: clinical testing. Allele origin: germline.

Institute of Human Genetics, Univ. Regensburg, Univ. Regensburg
Classification: Uncertain significance for Retinal dystrophy. Last evaluated: 2017-01-01. Review status: no assertion criteria provided. Criteria: ACMG Guidelines, 2015. Collection method: clinical testing. Allele origin: germline. Affected: yes. Not counted in ClinVar's aggregate classification.